The following is an entry in ClinVar:

ClinVar aggregate classification (germline): Likely benign. Review status: criteria provided, multiple submitters, no conflicts (2 of 4 stars). 2 submissions from 2 submitters: Likely benign (2). Last evaluated 2026-01-12.

Conditions:
Medium-chain acyl-coenzyme A dehydrogenase deficiency (ACADMD). Also called: MCADD; ACADM DEFICIENCY; CARNITINE DEFICIENCY SECONDARY TO MEDIUM-CHAIN ACYL-CoA DEHYDROGENASE DEFICIENCY; Medium chain acyl-CoA dehydrogenase deficiency; MCAD Deficiency; MCADH DEFICIENCY. Identifiers: Orphanet 42, MedGen C0220710, MONDO:0008721, OMIM 201450.

Allele frequency attached by ClinVar (database versions not stated): gnomAD 0.00001; gnomAD exomes 0.00003 and 0.00004; TOPMed 0.00003; ExAC 0.00007.
gnomAD v4.1: 52 of 1,597,994 alleles (0.0033%); highest among the groups gnomAD compares: Non-Finnish European, 0.0035%; 1 homozygote.

Submissions (2):

Labcorp Genetics (formerly Invitae), Labcorp
Classification: Likely benign for Medium-chain acyl-coenzyme A dehydrogenase deficiency. Last evaluated: 2026-01-12. Review status: criteria provided, single submitter. Criteria: Invitae Variant Classification Sherloc (09022015). Collection method: clinical testing. Allele origin: germline.

GeneDx
Classification: Likely benign. Last evaluated: 2017-08-29. Review status: criteria provided, single submitter. Criteria: GeneDx Variant Classification (06012015). Collection method: clinical testing. Allele origin: germline. Affected: yes.
Comment: This variant is considered likely benign or benign based on one or more of the following criteria: it is a conservative change, it occurs at a poorly conserved position in the protein, it is predicted to be benign by multiple in silico algorithms, and/or has population frequency not consistent with disease.

NM_000016.6(ACADM):c.600-6T>C

Gene: ACADM (acyl-CoA dehydrogenase medium chain; plus strand). Cytogenetic location: 1p31.1.
Variant type: single nucleotide variant.
Coding change: c.600-6T>C on transcript NM_000016.6 (MANE Select); 6 bases into the intron before coding-DNA position 600, T replaced by C.
Molecular consequence: intron variant.
Genome position (GRCh38, 1-based): chr1:75,745,800, T>C. VCF-style: chr1-75745800-T-C. GRCh37 (hg19) VCF-style: chr1-76211485-T-C.
Other names: c.699-6T>C (NM_001286043.2); c.492-6T>C (NM_001286042.2); c.33-6T>C (NM_001286044.2); c.612-6T>C (NM_001127328.3).
Identifiers: ClinVar variation 511391 (VCV000511391.11), dbSNP rs771343450, ClinGen allele CA913157.
Genomic context (GRCh38, chr1:75,745,800, plus strand): 5'-GAGAGAGCAATCACCATGTGTTATTTGCCGATATTATCACCATTATCCGGTATGTGTATC[T>C]CTTAGGTATTTTTTATTGGCACGTTCTGATCCAGATCCTAAAGCTCCTGCTAATAAAGCC-3'